The following is an entry in ClinVar:

NM_004168.4(SDHA):c.1794+6C>T

Gene: SDHA (succinate dehydrogenase complex flavoprotein subunit A; plus strand). Cytogenetic location: 5p15.33.
Variant type: single nucleotide variant.
Coding change: c.1794+6C>T on transcript NM_004168.4 (MANE Select); 6 bases into the intron after coding-DNA position 1794, C replaced by T.
Molecular consequence: intron variant.
Genome position (GRCh38, 1-based): chr5:251,474, C>T. VCF-style: chr5-251474-C-T. GRCh37 (hg19) VCF-style: chr5-251589-C-T.
Other names: c.1552-2919C>T (NM_001330758.2); c.1650+6C>T (NM_001294332.2).
Identifiers: ClinVar variation 2005631 (VCV002005631.5), dbSNP rs772644751, ClinGen allele CA3173363.
Genomic context (GRCh38, chr5:251,474, plus strand): 5'-CGGAGCAGAGGCACGGAAGGAGTCACGGGGCGCGCATGCCAGGGAAGACTACAAGGTGGG[C>T]CTTCTCACCACGCCCACCTGCACCTGCCTTTTCCTGCCACCTGGTGGGACTCAGCCCCAC-3'

ClinVar aggregate classification (germline): Likely benign. Review status: criteria provided, multiple submitters, no conflicts (2 of 4 stars). 2 submissions from 2 submitters: Likely benign (2). Last evaluated 2025-03-11.

Conditions:
Pheochromocytoma/paraganglioma syndrome 5. Also called: Paragangliomas 5; SDHA-Related Hereditary Paraganglioma-Pheochromocytoma Syndrome. Identifiers: Orphanet 29072, MedGen C3279992, MONDO:0013602, OMIM 614165.
Mitochondrial complex II deficiency, nuclear type 1. Also called: SUCCINATE CoQ REDUCTASE DEFICIENCY. Identifiers: Orphanet 3208, MedGen C5700310, MONDO:0100294, OMIM 252011.

Allele frequency attached by ClinVar (database versions not stated): ExAC 0.00001.

Submissions (2):

Myriad Genetics, Inc.
Classification: Likely benign for Pheochromocytoma/paraganglioma syndrome 5. Last evaluated: 2025-03-11. Review status: criteria provided, single submitter. Criteria: Myriad Autosomal Dominant, Autosomal Recessive and X-Linked Classification Criteria (2023). Collection method: clinical testing. Allele origin: unknown.
Comment: This variant is considered likely benign. This variant is intronic and is not expected to impact mRNA splicing.

Labcorp Genetics (formerly Invitae), Labcorp
Classification: Likely benign for Pheochromocytoma/paraganglioma syndrome 5; Mitochondrial complex II deficiency, nuclear type 1. Last evaluated: 2022-06-20. Review status: criteria provided, single submitter. Criteria: Invitae Variant Classification Sherloc (09022015). Collection method: clinical testing. Allele origin: germline.